The following is an entry in ClinVar:

ClinVar aggregate classification (germline): Pathogenic (1 of 4 stars; one submission).

Conditions:
Long QT syndrome (LQTS). Identifiers: MedGen C0023976, MeSH D008133, MONDO:0002442. Disease mechanism: loss of function. Inheritance: Various modes of inheritance.

Submission:

Labcorp Genetics (formerly Invitae), Labcorp
Classification: Pathogenic for Long QT syndrome. Last evaluated: 2025-12-31. Review status: criteria provided, single submitter. Criteria: Invitae Variant Classification Sherloc (09022015). Collection method: clinical testing. Allele origin: germline.
Comment: This sequence change creates a premature translational stop signal (p.Gly947Alafs*23) in the KCNH2 gene. It is expected to result in an absent or disrupted protein product. Loss-of-function variants in KCNH2 are known to be pathogenic (PMID: 10973849, 19862833). This variant is not present in population databases (gnomAD no frequency). This variant has not been reported in the literature in individuals affected with KCNH2-related conditions. ClinVar contains an entry for this variant (Variation ID: 2002742). For these reasons, this variant has been classified as Pathogenic.

Literature cited by the submitters: PubMed 10973849; PubMed 19862833.

NM_000238.4(KCNH2):c.2840_2852del (p.Gly947fs)

Gene: KCNH2 (potassium voltage-gated channel subfamily H member 2; minus strand). Cytogenetic location: 7q36.1.
Variant type: Deletion.
Coding change: c.2840_2852del on transcript NM_000238.4 (MANE Select); coding-DNA positions 2840 to 2852, 13 bases deleted (GCCGCAGCTCCAG).
Protein change: p.Gly947fs; shifts the reading frame from glycine 947.
Molecular consequence: frameshift variant.
Genome position (GRCh38, 1-based): chr7:150,947,719-150,947,731, CTGGAGCTGCGGC deleted on the plus strand (GCCGCAGCTCCAG on the coding strand, the reverse complement: KCNH2 is on the minus strand); deleting any 13 consecutive bases within chr7:150,947,719-150,947,735 gives the same sequence; the c. name uses the placement nearest the transcript's 3' end. VCF-style (leftmost placement, unchanged base first): chr7-150947718-GCTGGAGCTGCGGC-G. GRCh37 (hg19) VCF-style: chr7-150644806-GCTGGAGCTGCGGC-G.
Other names: c.2548_2560delCCAGGCCGCAGCT, p.Gly851Alafs (NM_001406753.1); c.1820_1832del, p.Gly607fs (NM_172057.3); short protein forms G607fs, G947fs.
Identifiers: ClinVar variation 2002742 (VCV002002742.4), dbSNP rs2486007321, ClinGen allele CA2580077744.